The following is an entry in ClinVar:

NM_002029.4(FPR1):c.826T>C (p.Tyr276His)

Gene: FPR1 (formyl peptide receptor 1; minus strand). Cytogenetic location: 19q13.41.
Variant type: single nucleotide variant.
Coding change: c.826T>C on transcript NM_002029.4 (MANE Select); coding-DNA position 826, T replaced by C.
Protein change: p.Tyr276His; replaces tyrosine 276 with histidine.
Molecular consequence: missense variant.
Genome position (GRCh38, 1-based): chr19:51,746,169, A>G on the plus strand (T>C on the coding strand, the complement: FPR1 is on the minus strand). VCF-style: chr19-51746169-A-G. GRCh37 (hg19) VCF-style: chr19-52249422-A-G.
Other names: c.826T>C, p.Tyr276His (NM_001193306.2); short protein forms Y276H.
Identifiers: ClinVar variation 852538 (VCV000852538.11), dbSNP rs553738020, ClinGen allele CA9616380.

ClinVar aggregate classification (germline): Uncertain significance (1 of 4 stars; one submission).

Conditions:
Gingival disorder. Also called: Gingival disease. Identifiers: MedGen C0017563, MONDO:0002021.

Allele frequency attached by ClinVar (database versions not stated): gnomAD exomes below 0.00001; ExAC 0.00001; gnomAD 0.00001; 1000 Genomes Project 30x 0.00016; 1000 Genomes Project 0.00020.
gnomAD v4.1: 1 of 1,614,230 alleles (0.000062%); highest among the groups gnomAD compares: Admixed American, 0.0017%; no homozygotes.

Submission:

Labcorp Genetics (formerly Invitae), Labcorp
Classification: Uncertain significance for Gingival disorder. Last evaluated: 2025-01-27. Review status: criteria provided, single submitter. Criteria: Invitae Variant Classification Sherloc (09022015). Collection method: clinical testing. Allele origin: germline.
Comment: This sequence change replaces tyrosine, which is neutral and polar, with histidine, which is basic and polar, at codon 276 of the FPR1 protein (p.Tyr276His). This variant is present in population databases (rs553738020, gnomAD 0.003%). This variant has not been reported in the literature in individuals affected with FPR1-related conditions. ClinVar contains an entry for this variant (Variation ID: 852538). An algorithm developed to predict the effect of missense changes on protein structure and function (PolyPhen-2) suggests that this variant is likely to be tolerated. In summary, the available evidence is currently insufficient to determine the role of this variant in disease. Therefore, it has been classified as a Variant of Uncertain Significance.